The following is an entry in ClinVar:

ClinVar aggregate classification (germline): Uncertain significance (1 of 4 stars; one submission).

Conditions:
Cardiovascular phenotype. Identifiers: MedGen CN230736.

gnomAD v4.1: 12 of 1,614,158 alleles (0.00074%); highest among the groups gnomAD compares: South Asian, 0.012%; no homozygotes.

Submission:

Ambry Genetics
Classification: Uncertain significance for Cardiovascular phenotype. Last evaluated: 2026-07-04. Review status: criteria provided, single submitter. Criteria: Ambry Variant Classification Scheme 2023. Collection method: clinical testing. Allele origin: germline.
Comment: The p.E2755G variant (also known as c.8264A>G), located in coding exon 33 of the AKAP9 gene, results from an A to G substitution at nucleotide position 8264. The glutamic acid at codon 2755 is replaced by glycine, an amino acid with similar properties. This amino acid position is conserved. In addition, this alteration is predicted to be tolerated by in silico analysis. Based on the available evidence, the clinical significance of this variant remains unclear.

NM_005751.5(AKAP9):c.8264A>G (p.Glu2755Gly)

Gene: AKAP9 (A-kinase anchoring protein 9; plus strand). Cytogenetic location: 7q21.2.
Variant type: single nucleotide variant.
Coding change: c.8264A>G on transcript NM_005751.5 (MANE Select); coding-DNA position 8264, A replaced by G.
Protein change: p.Glu2755Gly; replaces glutamic acid 2755 with glycine.
Molecular consequence: missense variant.
Genome position (GRCh38, 1-based): chr7:92,083,273, A>G. VCF-style: chr7-92083273-A-G. GRCh37 (hg19) VCF-style: chr7-91712587-A-G.
Other names: c.2909A>G, p.Glu970Gly (NM_001379277.1); c.8240A>G, p.Glu2747Gly (NM_147185.3); short protein forms E2747G, E2755G, E970G.
Identifiers: ClinVar variation 5033887 (VCV005033887.1).